The following is an entry in ClinVar:

ClinVar aggregate classification (germline): Likely pathogenic. Review status: criteria provided, multiple submitters, no conflicts (2 of 4 stars). 3 submissions from 3 submitters: Likely pathogenic (2). 1 of the submissions does not count toward it. Last evaluated 2025-08-14.

Conditions:
Neuronopathy, distal hereditary motor, autosomal dominant 11. Also called: NEUROPATHY, DISTAL HEREDITARY MOTOR, 11. Identifiers: MedGen C5882697, MONDO:0957875, OMIM 620528.
Spastic paraplegia 91, autosomal dominant, with or without cerebellar ataxia (SPG91). Identifiers: MedGen C5882701, MONDO:0957813, OMIM 620538.
Developmental and epileptic encephalopathy, 5 (DEE5). Identifiers: Orphanet 3451, MedGen C3150731, MONDO:0013277, OMIM 613477.

Allele frequency attached by ClinVar (database versions not stated): TOPMed below 0.00001.
gnomAD v4.1: 1 of 1,614,030 alleles (0.000062%); highest among the groups gnomAD compares: Non-Finnish European, 0.000085%; no homozygotes.

Submissions (3):

Variantyx, Inc.
Classification: Likely pathogenic for Spastic paraplegia 91, autosomal dominant, with or without cerebellar ataxia. Last evaluated: 2025-08-14. Review status: criteria provided, single submitter. Criteria: Variantyx Assertion Criteria 2022. Collection method: clinical testing. Allele origin: germline. Inheritance: Autosomal recessive inheritance. Affected: yes.
Comment: This is a nonsense variant in the SPTAN1 gene (OMIM: 182810). Pathogenic variants in this gene have been associated with autosomal dominant SPTAN1-related disorders, including autosomal dominant spastic paraplegia 91 with or without cerebellar ataxia. This variant introduces a premature termination codon in exon 4 out of 57 and is expected to result in loss of function, which is a known disease mechanism for SPTAN1 in this disorder (PMID: 31332438, 33206935) (PVS1). This variant has a 0.0001% maximum allele frequency in non-founder control populations (PM2). Based on the current evidence, this variant is classified as likely pathogenic for autosomal dominant spastic paraplegia 91 with or without cerebellar ataxia.

Genomic Medicine Lab, University of California San Francisco
Classification: Likely pathogenic for Developmental and epileptic encephalopathy, 5. Last evaluated: 2020-12-17. Review status: criteria provided, single submitter. Criteria: ACMG Guidelines, 2015. Collection method: clinical testing. Allele origin: de novo. Inheritance: Autosomal dominant inheritance. Affected: yes. Study: CSER-P3EGS.

OMIM
Classification: Pathogenic for NEURONOPATHY, DISTAL HEREDITARY MOTOR, AUTOSOMAL DOMINANT 11. Last evaluated: 2023-10-17. Review status: no assertion criteria provided. Collection method: literature only. Allele origin: germline. Not counted in ClinVar's aggregate classification.

Literature cited by the submitters: PubMed 31332438 (cited by Variantyx, Inc. and OMIM); PubMed 33206935 (cited by Variantyx, Inc.); PubMed 37236975 (cited by Variantyx, Inc.).

NM_001130438.3(SPTAN1):c.415C>T (p.Arg139Ter)

Gene: SPTAN1 (spectrin alpha, non-erythrocytic 1; plus strand). Cytogenetic location: 9q34.11.
Variant type: single nucleotide variant.
Coding change: c.415C>T on transcript NM_001130438.3 (MANE Select); coding-DNA position 415, C replaced by T.
Protein change: p.Arg139Ter; replaces arginine 139 with a stop codon.
Molecular consequence: nonsense.
Genome position (GRCh38, 1-based): chr9:128,574,726, C>T. VCF-style: chr9-128574726-C-T. GRCh37 (hg19) VCF-style: chr9-131337005-C-T.
Other names: c.415C>T, p.Arg139Ter (NM_001375313.1, NM_001375314.2, NM_001375311.2 and 5 more transcripts); c.451C>T, p.Arg151Ter (NM_001375318.1, NM_001375312.2); short protein forms R139*, R151*.
Identifiers: ClinVar variation 1065462 (VCV001065462.4), dbSNP rs1851109762, ClinGen allele CA375052508.